The following is an entry in ClinVar:

ClinVar aggregate classification (germline): Likely benign (0 of 4 stars; one submission).

Conditions:
EPB42-related disorder. Also called: EPB42-related condition.

gnomAD v4.1: 29 of 1,613,822 alleles (0.0018%); highest among the groups gnomAD compares: Non-Finnish European, 0.0024%; no homozygotes.

Submission:

PreventionGenetics, part of Exact Sciences
Classification: Likely benign for EPB42-related condition. Last evaluated: 2024-09-05. Review status: no assertion criteria provided. Collection method: clinical testing. Allele origin: germline.
Comment: This variant is classified as likely benign based on ACMG/AMP sequence variant interpretation guidelines (Richards et al. 2015 PMID: 25741868, with internal and published modifications).

NM_001114134.2(EPB42):c.1266T>C (p.Gly422=)

Gene: EPB42 (erythrocyte membrane protein band 4.2; minus strand). Cytogenetic location: 15q15.2.
Variant type: single nucleotide variant.
Coding change: c.1266T>C on transcript NM_001114134.2 (MANE Select); coding-DNA position 1266, T replaced by C.
Protein change: p.Gly422=; no amino-acid change (glycine 422 retained).
Molecular consequence: synonymous variant.
Genome position (GRCh38, 1-based): chr15:43,207,251, A>G on the plus strand (T>C on the coding strand, the complement: EPB42 is on the minus strand). VCF-style: chr15-43207251-A-G. GRCh37 (hg19) VCF-style: chr15-43499449-A-G.
Other names: c.1356T>C, p.Gly452= (NM_000119.3).
Identifiers: ClinVar variation 3358421 (VCV003358421.1).